The following is an entry in ClinVar:

ClinVar aggregate classification (germline): Pathogenic/Likely pathogenic. Review status: criteria provided, multiple submitters, no conflicts (2 of 4 stars). 7 submissions from 7 submitters: Pathogenic (2); Likely pathogenic (5). Last evaluated 2025-12-23.

Conditions:
ACADM-related disorder. Also called: ACADM-related condition.
Medium-chain acyl-coenzyme A dehydrogenase deficiency (ACADMD). Also called: Medium chain acyl-CoA dehydrogenase deficiency; ACADM DEFICIENCY; CARNITINE DEFICIENCY SECONDARY TO MEDIUM-CHAIN ACYL-CoA DEHYDROGENASE DEFICIENCY; MCADH DEFICIENCY; MCADD; MCAD Deficiency. Identifiers: Orphanet 42, MedGen C0220710, MONDO:0008721, OMIM 201450.

Allele frequency attached by ClinVar (database versions not stated): gnomAD exomes below 0.00001 and 0.00001; ExAC 0.00001; gnomAD 0.00001; TOPMed 0.00001.

Submissions (7):

Labcorp Genetics (formerly Invitae), Labcorp
Classification: Pathogenic for Medium-chain acyl-coenzyme A dehydrogenase deficiency. Last evaluated: 2025-12-23. Review status: criteria provided, single submitter. Criteria: Invitae Variant Classification Sherloc (09022015). Collection method: clinical testing. Allele origin: germline.
Comment: This sequence change replaces threonine, which is neutral and polar, with isoleucine, which is neutral and non-polar, at codon 351 of the ACADM protein (p.Thr351Ile). This variant is present in population databases (rs766140986, gnomAD 0.0009%). This missense change has been observed in individual(s) with medium-chain acyl-coenzyme A dehydrogenase deficiency (PMID: 26798524; internal data). In at least one individual the data is consistent with being in trans (on the opposite chromosome) from a pathogenic variant. It has also been observed to segregate with disease in related individuals. ClinVar contains an entry for this variant (Variation ID: 203542). Invitae Evidence Modeling of protein sequence and biophysical properties (such as structural, functional, and spatial information, amino acid conservation, physicochemical variation, residue mobility, and thermodynamic stability) indicates that this missense variant is not expected to disrupt ACADM protein function with a negative predictive value of 80%. For these reasons, this variant has been classified as Pathogenic.

Natera, Inc.
Classification: Likely pathogenic for Medium Chain Acyl-CoA Dehydrogenase Deficiency. Last evaluated: 2025-11-20. Review status: criteria provided, single submitter. Criteria: Natera Variant Classification Schema (03/2026). Collection method: clinical testing. Allele origin: germline.
Comment: The c.1052C>T variant in ACADM is a missense variant predicted to cause substitution of threonine to isoleucine at amino acid 351. This variant is rare in the general population with a frequency below the threshold expected for the associated phenotype(s). This variant has been observed in one or more individuals affected with the associated recessive disease, as either homozygous or compound heterozygous with a second variant (PMID: 26798524, 31836396, 33580884). Additionally, this variant has been observed to segregate in affected family members (PMID: 26798524). Computational prediction algorithms indicate this variant is likely to affect gene or protein function. Given the available evidence, this variant is classified as Likely Pathogenic.

Baylor Genetics
Classification: Pathogenic for Medium-chain acyl-coenzyme A dehydrogenase deficiency. Last evaluated: 2024-02-02. Review status: criteria provided, single submitter. Criteria: ACMG Guidelines, 2015. Collection method: clinical testing. Allele origin: unknown.

Fulgent Genetics
Classification: Likely pathogenic for Medium-chain acyl-coenzyme A dehydrogenase deficiency. Last evaluated: 2024-02-02. Review status: criteria provided, single submitter. Criteria: ACMG Guidelines, 2015. Collection method: clinical testing. Allele origin: germline.

PreventionGenetics, part of Exact Sciences
Classification: Likely pathogenic for ACADM-related condition. Last evaluated: 2022-12-16. Review status: criteria provided, single submitter. Criteria: ACMG Guidelines, 2015. Collection method: clinical testing. Allele origin: germline.
Comment: The ACADM c.1052C>T variant is predicted to result in the amino acid substitution p.Thr351Ile. This variant was reported in the compound heterozygous state with the pathogenic c.985A>G (p.Lys329Glu) variant in individuals with autosomal recessive medium chain acyl-CoA dehydrogenase deficiency (MCADD) (Drendel et al. 2015. PubMed ID: 26798524; Anderson et al. 2020. PubMed ID: 31836396). This variant is reported in 0.00088% of alleles in individuals of European (Non-Finnish) descent in gnomAD. This variant is interpreted as likely pathogenic.

GeneDx
Classification: Likely pathogenic. Last evaluated: 2020-05-07. Review status: criteria provided, single submitter. Criteria: GeneDx Variant Classification Process June 2021. Collection method: clinical testing. Allele origin: germline. Affected: yes.
Comment: In silico analysis supports that this missense variant has a deleterious effect on protein structure/function; Not observed at a significant frequency in large population cohorts (Lek et al., 2016); This variant is associated with the following publications: (PMID: 26798524, 31836396)

ARUP Laboratories, Molecular Genetics and Genomics, ARUP Laboratories
Classification: Likely pathogenic for Medium-chain acyl-coenzyme A dehydrogenase deficiency. Last evaluated: 2019-03-19. Review status: criteria provided, single submitter. Criteria: ARUP Molecular Germline Variant Investigation Process. Collection method: clinical testing. Allele origin: germline.
Comment: The ACADM c.1052C>T; p.Thr351Ile variant (rs766140986), also known as p.Thr326Ile in traditional nomenclature, is reported in the literature in a mother and son mildly affected with MCAD deficiency, both of whom carried the variant in trans to the common pathogenic p.Lys329Glu variant (Drendel 2015). This variant is found on a single chromosome (1/251370 alleles) in the Genome Aggregation Database, indicating it is not a common polymorphism, and it is reported in ClinVar (Variation ID: 203542). The threonine at codon 351 is moderately conserved, and computational analyses (SIFT, PolyPhen-2) predict that this variant is deleterious. Although this variant is reported in association with a mild disease presentation (Drendel 2015), based on available information, it is considered to be likely pathogenic. References: Drendel HM et al. Intermediate MCAD Deficiency Associated with a Novel Mutation of the ACADM Gene: c.1052C>T. Case Rep Genet. 2015;2015:532090.

Literature cited by the submitters: PubMed 26798524 (cited by Labcorp Genetics (formerly Invitae), Labcorp and Natera, Inc.); PubMed 31836396 (cited by Natera, Inc.); PubMed 33580884 (cited by Natera, Inc.).

NM_000016.6(ACADM):c.1052C>T (p.Thr351Ile)

Gene: ACADM (acyl-CoA dehydrogenase medium chain; plus strand). Cytogenetic location: 1p31.1.
Variant type: single nucleotide variant.
Coding change: c.1052C>T on transcript NM_000016.6 (MANE Select); coding-DNA position 1052, C replaced by T.
Protein change: p.Thr351Ile; replaces threonine 351 with isoleucine.
Molecular consequence: missense variant.
Genome position (GRCh38, 1-based): chr1:75,761,228, C>T. VCF-style: chr1-75761228-C-T. GRCh37 (hg19) VCF-style: chr1-76226913-C-T.
Other names: p.T351I:ACC>ATC; c.1064C>T, p.Thr355Ile (NM_001127328.3); c.944C>T, p.Thr315Ile (NM_001286042.2); c.1151C>T, p.Thr384Ile (NM_001286043.2); c.485C>T, p.Thr162Ile (NM_001286044.2); short protein forms T351I, T355I, T384I, T162I, T315I.
Identifiers: ClinVar variation 203542 (VCV000203542.25), dbSNP rs766140986, ClinGen allele CA312184.
Genomic context (GRCh38, chr1:75,761,228, plus strand): 5'-AACTAGCTAGAATGAGTTACCAGAGAGCAGCTTGGGAGGTTGATTCTGGTCGTCGAAATA[C>T]CTATTATGCTTCTATTGCAAAGGCATTTGCTGGAGATATTGCAAATCAGTTAGCTACTGA-3'
Protein context (NP_000007.1, residues 341-361): AWEVDSGRRN[Thr351Ile]YYASIAKAFA